The following is an entry in ClinVar:

NM_002242.4(KCNJ13):c.542T>C (p.Met181Thr)

Genes: GIGYF2 (GRB10 interacting GYF protein 2; plus strand), KCNJ13 (potassium inwardly rectifying channel subfamily J member 13; minus strand). Cytogenetic location: 2q37.1.
Variant type: single nucleotide variant.
Coding change: c.542T>C on transcript NM_002242.4 (MANE Select); coding-DNA position 542, T replaced by C.
Protein change: p.Met181Thr; replaces methionine 181 with threonine.
Molecular consequence: missense variant. On other transcripts: 3 prime UTR variant (1), intron variant (4).
Genome position (GRCh38, 1-based): chr2:232,768,732, A>G on the plus strand (T>C on the coding strand, the complement: KCNJ13 is on the minus strand). VCF-style: chr2-232768732-A-G. GRCh37 (hg19) VCF-style: chr2-233633442-A-G.
Other names: c.*21T>C (NM_001172416.1); c.302T>C, p.Met101Thr (NM_001172417.1); c.532+7296A>G (NM_001103146.3, NM_015575.4, NM_001103147.2 and 1 more transcripts); short protein forms M101T, M181T.
Identifiers: ClinVar variation 3010707 (VCV003010707.3), dbSNP rs761238464, ClinGen allele CA2170014.
Genomic context (GRCh38, chr2:232,768,732, plus strand): 5'-CTGGTTAGAGGGCTAGGTCGGGTGTTGGCCACTTGGAAGATAAGATTAGGTTTGCCATCC[A>G]TGTGAGCTACTACTGCTGTGTCAGTAAAGCGAATTGAAAAAGCTCGATTTTTTGGCCGGG-3'
Protein context (NP_002233.2, residues 171-191): RFTDTAVVAH[Met181Thr]DGKPNLIFQV

ClinVar aggregate classification (germline): Uncertain significance (1 of 4 stars; one submission).

Allele frequency attached by ClinVar (database versions not stated): ExAC 0.00002; gnomAD exomes below 0.00001.
gnomAD v4.1: 5 of 1,602,148 alleles (0.00031%); highest among the groups gnomAD compares: African/African-American, 0.0027%; no homozygotes.

Submission:

Labcorp Genetics (formerly Invitae), Labcorp
Classification: Uncertain significance. Last evaluated: 2025-12-08. Review status: criteria provided, single submitter. Criteria: Invitae Variant Classification Sherloc (09022015). Collection method: clinical testing. Allele origin: germline.
Comment: This sequence change replaces methionine, which is neutral and non-polar, with threonine, which is neutral and polar, at codon 181 of the KCNJ13 protein (p.Met181Thr). This variant is present in population databases (rs761238464, gnomAD 0.005%). This variant has not been reported in the literature in individuals affected with KCNJ13-related conditions. ClinVar contains an entry for this variant (Variation ID: 3010707). Invitae Evidence Modeling of protein sequence and biophysical properties (such as structural, functional, and spatial information, amino acid conservation, physicochemical variation, residue mobility, and thermodynamic stability) indicates that this missense variant is not expected to disrupt KCNJ13 protein function with a negative predictive value of 80%. In summary, the available evidence is currently insufficient to determine the role of this variant in disease. Therefore, it has been classified as a Variant of Uncertain Significance.